The following is an entry in ClinVar:

ClinVar aggregate classification (germline): Likely pathogenic (1 of 4 stars; one submission).

Conditions:
Allan-Herndon-Dudley syndrome (AHDS). Also called: ALLAN-HERNDON SYNDROME; MENTAL RETARDATION AND MUSCULAR ATROPHY; T3 RESISTANCE; TRIIODOTHYRONINE RESISTANCE; Passos-Bueno syndrome. Identifiers: Orphanet 59, MedGen C0795889, MONDO:0010354, OMIM 300523.

Submission:

3billion
Classification: Likely pathogenic for Allan-Herndon-Dudley syndrome. Last evaluated: 2022-05-22. Review status: criteria provided, single submitter. Criteria: ACMG Guidelines, 2015. Collection method: clinical testing. Allele origin: germline. Affected: yes. Observed: 1 hemizygote.
Comment: The variant is not observed in the gnomAD v2.1.1 dataset. Frameshift: predicted to result in a loss or disruption of normal protein function through nonsense-mediated decay (NMD) or protein truncation. Multiple pathogenic variants are reported downstream of the variant. Therefore, this variant is classified as likely pathogenic according to the recommendation of ACMG/AMP guideline.

NM_006517.5(SLC16A2):c.1203del (p.Ser401_Met402insTer)

Gene: SLC16A2 (solute carrier family 16 member 2; plus strand). Cytogenetic location: Xq13.2.
Variant type: Deletion.
Coding change: c.1203del on transcript NM_006517.5 (MANE Select); coding-DNA position 1203, one base deleted (C; older notation c.1203delC).
Protein change: p.Ser401_Met402insTer.
Molecular consequence: frameshift variant.
Genome position (GRCh38, 1-based): chrX:74,529,245, C deleted; the last of 2 consecutive C bases (chrX:74,529,244-74,529,245); deleting either gives the same sequence. VCF-style (leftmost placement, unchanged base first): chrX-74529243-TC-T. GRCh37 (hg19) VCF-style: chrX-73749078-TC-T.
Identifiers: ClinVar variation 1687273 (VCV001687273.1), dbSNP rs2147871837, ClinGen allele CA2573159625.
Genomic context (GRCh38, chrX:74,529,243, plus strand): 5'-CAACCTGACCTCAGGCCCTTGTTTCTCCAGGTCCTTTCCTTCCTGCTCCTGGGCCTGATG[TC>T]CATGATGATTCCCCTGTGCCGGGACTTCGGGGGCCTTATCGTCGTCTGTCTTTTCCTGGG-3'